The following is an entry in ClinVar:

NM_000399.5(EGR2):c.1339G>T (p.Val447Leu)

Gene: EGR2 (early growth response 2; minus strand). Cytogenetic location: 10q21.3.
Variant type: single nucleotide variant.
Coding change: c.1339G>T on transcript NM_000399.5 (MANE Select); coding-DNA position 1339, G replaced by T.
Protein change: p.Val447Leu; replaces valine 447 with leucine.
Molecular consequence: missense variant.
Genome position (GRCh38, 1-based): chr10:62,813,299, C>A on the plus strand (G>T on the coding strand, the complement: EGR2 is on the minus strand). VCF-style: chr10-62813299-C-A. GRCh37 (hg19) VCF-style: chr10-64573059-C-A.
Other names: c.1339G>T, p.Val447Leu (NM_001136177.3, NM_001136178.2); c.1189G>T, p.Val397Leu (NM_001136179.3, NM_001321037.2); short protein forms V397L, V447L.
Identifiers: ClinVar variation 938042 (VCV000938042.5), dbSNP rs759547856, ClinGen allele CA5517154.

ClinVar aggregate classification (germline): Uncertain significance. Review status: criteria provided, multiple submitters, no conflicts (2 of 4 stars). 2 submissions from 2 submitters: Uncertain significance (2). Last evaluated 2024-07-10.

Conditions:
Charcot-Marie-Tooth disease, type I (CMT1). Also called: Charcot-Marie-Tooth disease type 1; Charcot-Marie-Tooth, Type 1. Identifiers: Orphanet 65753, MedGen C0751036, MONDO:0019011.

Allele frequency attached by ClinVar (database versions not stated): TOPMed 0.00002.
gnomAD v4.1: 4 of 1,574,126 alleles (0.00025%); highest among the groups gnomAD compares: East Asian, 0.0022%; no homozygotes.

Submissions (2):

GeneDx
Classification: Uncertain significance. Last evaluated: 2024-07-10. Review status: criteria provided, single submitter. Criteria: GeneDx Variant Classification Process June 2021. Collection method: clinical testing. Allele origin: germline. Affected: yes.
Comment: In silico analysis indicates that this missense variant does not alter protein structure/function; Has not been previously published as pathogenic or benign to our knowledge

Labcorp Genetics (formerly Invitae), Labcorp
Classification: Uncertain significance for Charcot-Marie-Tooth disease, type I. Last evaluated: 2021-08-24. Review status: criteria provided, single submitter. Criteria: Invitae Variant Classification Sherloc (09022015). Collection method: clinical testing. Allele origin: germline.
Comment: This sequence change replaces valine with leucine at codon 447 of the EGR2 protein (p.Val447Leu). The valine residue is weakly conserved and there is a small physicochemical difference between valine and leucine. This variant is present in population databases (rs759547856, ExAC 0.02%). This variant has not been reported in the literature in individuals affected with EGR2-related conditions. In summary, the available evidence is currently insufficient to determine the role of this variant in disease. Therefore, it has been classified as a Variant of Uncertain Significance.